The following is an entry in ClinVar:

NM_006206.6(PDGFRA):c.1472C>T (p.Ala491Val)

Gene: PDGFRA (platelet derived growth factor receptor alpha; plus strand). Cytogenetic location: 4q12.
Variant type: single nucleotide variant.
Coding change: c.1472C>T on transcript NM_006206.6 (MANE Select); coding-DNA position 1472, C replaced by T.
Protein change: p.Ala491Val; replaces alanine 491 with valine.
Molecular consequence: missense variant.
Genome position (GRCh38, 1-based): chr4:54,273,644, C>T. VCF-style: chr4-54273644-C-T. GRCh37 (hg19) VCF-style: chr4-55139811-C-T.
Other names: c.1472C>T, p.Ala491Val (NM_001347827.2, NM_001347829.2); c.1547C>T, p.Ala516Val (NM_001347828.2); c.1511C>T, p.Ala504Val (NM_001347830.2); short protein forms A491V, A504V, A516V.
Identifiers: ClinVar variation 3609339 (VCV003609339.2).
Genomic context (GRCh38, chr4:54,273,644, plus strand): 5'-ACATCATCACGGAGATCCACTCCCGAGACAGGAGTACCGTGGAGGGCCGTGTGACTTTCG[C>T]CAAAGTGGAGGAGACCATCGCCGTGCGATGCCTGGCTAAGAATCTCCTTGGAGCTGAGAA-3'
Protein context (NP_006197.1, residues 481-501): RSTVEGRVTF[Ala491Val]KVEETIAVRC

ClinVar aggregate classification (germline): Uncertain significance (1 of 4 stars; one submission).

Conditions:
Gastrointestinal stromal tumor. Also called: Gastrointestinal stromal tumor, somatic; Gastrointestinal stroma tumor. Identifiers: Orphanet 44890, MedGen C0238198, MeSH D046152, MONDO:0011719, OMIM 606764, HP:0100723.

Submission:

Labcorp Genetics (formerly Invitae), Labcorp
Classification: Uncertain significance for Gastrointestinal stromal tumor. Last evaluated: 2025-12-03. Review status: criteria provided, single submitter. Criteria: Invitae Variant Classification Sherloc (09022015). Collection method: clinical testing. Allele origin: germline.
Comment: This sequence change replaces alanine, which is neutral and non-polar, with valine, which is neutral and non-polar, at codon 491 of the PDGFRA protein (p.Ala491Val). This variant is not present in population databases (gnomAD no frequency). This variant has not been reported in the literature in individuals affected with PDGFRA-related conditions. ClinVar contains an entry for this variant (Variation ID: 3609339). Invitae Evidence Modeling of protein sequence and biophysical properties (such as structural, functional, and spatial information, amino acid conservation, physicochemical variation, residue mobility, and thermodynamic stability) indicates that this missense variant is not expected to disrupt PDGFRA protein function with a negative predictive value of 80%. In summary, the available evidence is currently insufficient to determine the role of this variant in disease. Therefore, it has been classified as a Variant of Uncertain Significance.